The following is an entry in ClinVar:

NM_152713.5(STT3A):c.542A>G (p.Tyr181Cys)

Gene: STT3A (STT3 oligosaccharyltransferase complex catalytic subunit A; plus strand). Cytogenetic location: 11q24.2.
Variant type: single nucleotide variant.
Coding change: c.542A>G on transcript NM_152713.5 (MANE Select); coding-DNA position 542, A replaced by G.
Protein change: p.Tyr181Cys; replaces tyrosine 181 with cysteine.
Molecular consequence: missense variant.
Genome position (GRCh38, 1-based): chr11:125,605,662, A>G. VCF-style: chr11-125605662-A-G. GRCh37 (hg19) VCF-style: chr11-125475557-A-G.
Other names: c.542A>G, p.Tyr181Cys (NM_001278503.2); c.266A>G, p.Tyr89Cys (NM_001278504.2); short protein forms Y181C, Y89C.
Identifiers: ClinVar variation 4882629 (VCV004882629.2).

ClinVar aggregate classification (germline): Uncertain significance (1 of 4 stars; one submission).

gnomAD v4.1: 2 of 1,613,910 alleles (0.00012%); highest among the groups gnomAD compares: Non-Finnish European, 0.00017%; no homozygotes.

Submission:

Dasa
Classification: Uncertain significance. Last evaluated: 2026-03-03. Review status: criteria provided, single submitter. Criteria: DASA Assertion Criteria. Collection method: clinical testing. Allele origin: germline.
Comment: NM_152713.5(STT3A):c.542A>G (p.Tyr181Cys) is a missense variant that results in the substitution of tyrosine with cysteine. This variant is rare in population databases. Computational prediction algorithms are consistent with a deleterious effect. The currently available literature and clinical evidence are not sufficient to establish a definitive association between this variant and the reported condition. Therefore, this variant is classified as a variant of uncertain significance.